The following is an entry in ClinVar:

NM_004747.4(DLG5):c.2991T>G (p.Pro997=)

Gene: DLG5 (discs large MAGUK scaffold protein 5; minus strand). Cytogenetic location: 10q22.3.
Variant type: single nucleotide variant.
Coding change: c.2991T>G on transcript NM_004747.4 (MANE Select); coding-DNA position 2991, T replaced by G.
Protein change: p.Pro997=; no amino-acid change (proline 997 retained).
Molecular consequence: synonymous variant.
Genome position (GRCh38, 1-based): chr10:77,821,493, A>C on the plus strand (T>G on the coding strand, the complement: DLG5 is on the minus strand). VCF-style: chr10-77821493-A-C. GRCh37 (hg19) VCF-style: chr10-79581251-A-C.
Identifiers: ClinVar variation 790275 (VCV000790275.6), dbSNP rs144503327, ClinGen allele CA5569720.

ClinVar aggregate classification (germline): Benign/Likely benign. Review status: criteria provided, multiple submitters, no conflicts (2 of 4 stars). 2 submissions from 2 submitters: Benign (1); Likely benign (1). Last evaluated 2026-04-01.

Allele frequency attached by ClinVar (database versions not stated): 1000 Genomes Project 0.00220; 1000 Genomes Project 30x 0.00234; ESP Exome Variant Server 0.00365; TOPMed 0.00366; gnomAD 0.00373 and 0.00379; gnomAD exomes 0.00394 and 0.00557; ExAC 0.00418.
gnomAD v4.1: 8,677 of 1,612,594 alleles (0.54%); highest among the groups gnomAD compares: Non-Finnish European, 0.63%; 29 homozygotes.

Submissions (2):

CeGaT Center for Human Genetics Tuebingen
Classification: Likely benign. Last evaluated: 2026-04-01. Review status: criteria provided, single submitter. Criteria: CeGaT Center For Human Genetics Tuebingen Variant Classification Criteria Version 2. Collection method: clinical testing. Allele origin: germline. Affected: yes. Observed: 1 variant allele.
Comment: DLG5: BP4, BP7, BS2

Labcorp Genetics (formerly Invitae), Labcorp
Classification: Benign. Last evaluated: 2019-12-31. Review status: criteria provided, single submitter. Criteria: Invitae Variant Classification Sherloc (09022015). Collection method: clinical testing. Allele origin: germline.